The following is an entry in ClinVar:

NM_000059.4(BRCA2):c.3841A>G (p.Lys1281Glu)

Gene: BRCA2 (BRCA2 DNA repair associated; plus strand). Cytogenetic location: 13q13.1.
Variant type: single nucleotide variant.
Coding change: c.3841A>G on transcript NM_000059.4 (MANE Select); coding-DNA position 3841, A replaced by G.
Protein change: p.Lys1281Glu; replaces lysine 1281 with glutamic acid.
Molecular consequence: missense variant. On other transcripts: non-coding transcript variant (1), intron variant (2).
Genome position (GRCh38, 1-based): chr13:32,338,196, A>G. VCF-style: chr13-32338196-A-G. GRCh37 (hg19) VCF-style: chr13-32912333-A-G.
Other names: c.3841A>G, p.Lys1281Glu (NM_001406719.1, NM_001406720.1); c.1909+4809A>G (NM_001406721.1); c.425-6362A>G (NM_001406722.1); short protein forms K1281E.
Identifiers: ClinVar variation 2810886 (VCV002810886.3), dbSNP rs2137500484, ClinGen allele CA387778574.

ClinVar aggregate classification (germline): Uncertain significance (1 of 4 stars; one submission).

Conditions:
Hereditary breast ovarian cancer syndrome. Also called: Hereditary breast and ovarian cancer; Hereditary breast and ovarian cancer syndrome; Breast and ovarian cancer; BRCA1- and BRCA2-Associated Hereditary Breast and Ovarian Cancer; Hereditary breast and ovarian cancer syndrome (HBOC); Hereditary breast and/or ovarian cancer syndrome. Identifiers: Orphanet 145, MedGen C0677776, MeSH D061325, MONDO:0003582. Disease mechanism: loss of function.

Submission:

Labcorp Genetics (formerly Invitae), Labcorp
Classification: Uncertain significance for Hereditary breast ovarian cancer syndrome. Last evaluated: 2022-12-31. Review status: criteria provided, single submitter. Criteria: Invitae Variant Classification Sherloc (09022015). Collection method: clinical testing. Allele origin: germline.
Comment: This sequence change replaces lysine, which is basic and polar, with glutamic acid, which is acidic and polar, at codon 1281 of the BRCA2 protein (p.Lys1281Glu). In summary, the available evidence is currently insufficient to determine the role of this variant in disease. Therefore, it has been classified as a Variant of Uncertain Significance. Advanced modeling of protein sequence and biophysical properties (such as structural, functional, and spatial information, amino acid conservation, physicochemical variation, residue mobility, and thermodynamic stability) performed at Invitae indicates that this missense variant is not expected to disrupt BRCA2 protein function. This variant has not been reported in the literature in individuals affected with BRCA2-related conditions. This variant is not present in population databases (gnomAD no frequency).